The following is an entry in ClinVar:

NM_020937.4(FANCM):c.1051G>A (p.Gly351Arg)

Gene: FANCM (FA complementation group M; plus strand). Cytogenetic location: 14q21.2.
Variant type: single nucleotide variant.
Coding change: c.1051G>A on transcript NM_020937.4 (MANE Select); coding-DNA position 1051, G replaced by A.
Protein change: p.Gly351Arg; replaces glycine 351 with arginine.
Molecular consequence: missense variant.
Genome position (GRCh38, 1-based): chr14:45,153,920, G>A. VCF-style: chr14-45153920-G-A. GRCh37 (hg19) VCF-style: chr14-45623123-G-A.
Other names: c.973G>A, p.Gly325Arg (NM_001308133.2); c.1051G>A, p.Gly351Arg (NM_001308134.2); short protein forms G351R, G325R.
Identifiers: ClinVar variation 4254747 (VCV004254747.1).
Genomic context (GRCh38, chr14:45,153,920, plus strand): 5'-CATGGAGCATGTATGTTCATTTATTTCTCTGGTTAAATTTGACATATGCTGTTTTTCTAG[G>A]GAATACAACAAGGCATAATCGAGGGAGAGTTTGCTATTTGTATTAGTTTATATCATGGTT-3'
Protein context (NP_065988.1, residues 341-361): FRKNPSPNIV[Gly351Arg]IQQGIIEGEF

ClinVar aggregate classification (germline): Uncertain significance (1 of 4 stars; one submission).

Conditions:
Inborn genetic diseases. Identifiers: MedGen C0950123, MeSH D030342.

Submission:

Ambry Genetics
Classification: Uncertain significance for Inborn genetic diseases. Last evaluated: 2025-09-10. Review status: criteria provided, single submitter. Criteria: Ambry Variant Classification Scheme 2023. Collection method: clinical testing. Allele origin: germline.
Comment: The p.G351R variant (also known as c.1051G>A) is located in coding exon 6 of the FANCM gene. The glycine at codon 351 is replaced by arginine, an amino acid with dissimilar properties. This change occurs in the first base pair of coding exon 6. This amino acid position is conserved. In addition, the in silico prediction for this alteration is inconclusive. Based on the available evidence, the clinical significance of this variant remains unclear.